The following is an entry in ClinVar:

NM_002160.4(TNC):c.1322A>G (p.Asn441Ser)

Gene: TNC (tenascin C; minus strand). Cytogenetic location: 9q33.1.
Variant type: single nucleotide variant.
Coding change: c.1322A>G on transcript NM_002160.4 (MANE Select); coding-DNA position 1322, A replaced by G.
Protein change: p.Asn441Ser; replaces asparagine 441 with serine.
Molecular consequence: missense variant.
Genome position (GRCh38, 1-based): chr9:115,086,409, T>C on the plus strand (A>G on the coding strand, the complement: TNC is on the minus strand). VCF-style: chr9-115086409-T-C. GRCh37 (hg19) VCF-style: chr9-117848688-T-C.
Other names: short protein forms N441S.
Identifiers: ClinVar variation 723838 (VCV000723838.31), dbSNP rs142220270, ClinGen allele CA5208843.

ClinVar aggregate classification (germline): Benign/Likely benign. Review status: criteria provided, multiple submitters, no conflicts (2 of 4 stars). 5 submissions from 5 submitters: Benign (3); Likely benign (2). Last evaluated 2022-04-01.

Conditions:
Autosomal dominant nonsyndromic hearing loss 56. Also called: Deafness, autosomal dominant 56. Identifiers: Orphanet 90635, MedGen C3810170, MONDO:0014283, OMIM 615629.

Allele frequency attached by ClinVar (database versions not stated): gnomAD exomes 0.00105; ExAC 0.00122; TOPMed 0.00170; gnomAD 0.00173 and 0.00174; ESP Exome Variant Server 0.00177; 1000 Genomes Project 0.00220; 1000 Genomes Project 30x 0.00250.
gnomAD v4.1: 1,065 of 1,613,590 alleles (0.066%); highest among the groups gnomAD compares: African/African-American, 0.51%; 11 homozygotes.

Submissions (5):

CeGaT Center for Human Genetics Tuebingen
Classification: Benign. Last evaluated: 2022-04-01. Review status: criteria provided, single submitter. Criteria: CeGaT Center For Human Genetics Tuebingen Variant Classification Criteria Version 2. Collection method: clinical testing. Allele origin: germline. Affected: yes. Observed: 1 variant allele.
Comment: TNC: BS1, BS2

Genome-Nilou Lab
Classification: Benign for Autosomal dominant nonsyndromic hearing loss 56. Last evaluated: 2022-03-15. Review status: criteria provided, single submitter. Criteria: ACMG Guidelines, 2015. Collection method: clinical testing. Allele origin: germline. Affected: no.

GeneDx
Classification: Benign. Last evaluated: 2020-08-07. Review status: criteria provided, single submitter. Criteria: GeneDx Variant Classification Process June 2021. Collection method: clinical testing. Allele origin: germline. Affected: yes.

Labcorp Genetics (formerly Invitae), Labcorp
Classification: Likely benign. Last evaluated: 2019-12-31. Review status: criteria provided, single submitter. Criteria: Invitae Variant Classification Sherloc (09022015). Collection method: clinical testing. Allele origin: germline.

Breakthrough Genomics
Classification: Likely benign. Review status: criteria provided, single submitter. Criteria: ACMG Guidelines, 2015. Collection method: not provided. Allele origin: germline. Inheritance: Autosomal dominant inheritance. Affected: yes.